The following is an entry in ClinVar:

ClinVar aggregate classification (germline): Benign. Review status: criteria provided, multiple submitters, no conflicts (2 of 4 stars). 2 submissions from 2 submitters: Benign (2). Last evaluated 2018-06-14.

Allele frequency attached by ClinVar (database versions not stated): 1000 Genomes Project 30x 0.50781; 1000 Genomes Project 0.50799; TOPMed 0.57218; gnomAD 0.59196 and 0.59238.
gnomAD v4.1: 90,122 of 152,060 alleles (59%); highest among the groups gnomAD compares: Non-Finnish European, 69%; 28,356 homozygotes.

Submissions (2):

GeneDx
Classification: Benign. Last evaluated: 2018-06-14. Review status: criteria provided, single submitter. Criteria: GeneDx Variant Classification (06012015). Collection method: clinical testing. Allele origin: germline. Affected: yes.
Comment: This variant is considered likely benign or benign based on one or more of the following criteria: it is a conservative change, it occurs at a poorly conserved position in the protein, it is predicted to be benign by multiple in silico algorithms, and/or has population frequency not consistent with disease.

Breakthrough Genomics
Classification: Benign. Review status: criteria provided, single submitter. Criteria: ACMG Guidelines, 2015. Collection method: not provided. Allele origin: germline. Inheritance: Autosomal recessive inheritance. Affected: yes.

NM_032578.4(MYPN):c.3493+235C>A

Gene: MYPN (myopalladin; plus strand). Cytogenetic location: 10q21.3.
Variant type: single nucleotide variant.
Coding change: c.3493+235C>A on transcript NM_032578.4 (MANE Select); 235 bases into the intron after coding-DNA position 3493, C replaced by A.
Molecular consequence: intron variant.
Genome position (GRCh38, 1-based): chr10:68,199,810, C>A. VCF-style: chr10-68199810-C-A. GRCh37 (hg19) VCF-style: chr10-69959567-C-A.
Other names: c.3493+235C>A (NM_001256267.2); c.2611+235C>A (NM_001256268.2).
Identifiers: ClinVar variation 678015 (VCV000678015.2), dbSNP rs10998014, ClinGen allele CA15651600.
Genomic context (GRCh38, chr10:68,199,810, plus strand): 5'-TCTAAAATCATAATATGACACCATGTGCATAATACCCATTAAATAAATGAGAGCCATTGT[C>A]ATCATCAGTCAATCAATCAATCAATTAGCTGTCACTAAATTCCAGTTATTTGCCCTACAG-3'